The following is an entry in ClinVar:

NM_001267550.2(TTN):c.6639G>T (p.Glu2213Asp)

Gene: TTN (titin; minus strand). Cytogenetic location: 2q31.2.
Variant type: single nucleotide variant.
Coding change: c.6639G>T on transcript NM_001267550.2 (MANE Select); coding-DNA position 6639, G replaced by T.
Protein change: p.Glu2213Asp; replaces glutamic acid 2213 with aspartic acid.
Molecular consequence: missense variant.
Genome position (GRCh38, 1-based): chr2:178,775,072, C>A on the plus strand (G>T on the coding strand, the complement: TTN is on the minus strand). VCF-style: chr2-178775072-C-A. GRCh37 (hg19) VCF-style: chr2-179639799-C-A.
Other names: c.6639G>T, p.Glu2213Asp (NM_001256850.1, NM_133378.4, NM_133379.5); c.6501G>T, p.Glu2167Asp (NM_003319.4, NM_133432.3, NM_133437.4); short protein forms E2167D, E2213D.
Identifiers: ClinVar variation 809102 (VCV000809102.20), dbSNP rs745719077, ClinGen allele CA2005004.

ClinVar aggregate classification (germline): Conflicting classifications of pathogenicity. Review status: criteria provided, conflicting classifications (1 of 4 stars). 7 submissions from 7 submitters: Uncertain significance (4); Likely benign (1). 2 of the submissions do not count toward it. Last evaluated 2025-12-23.

Conditions:
TTN-related disorder. Also called: TTN-related disorders; TTN-related condition; TTN-related disease.
Hypertrophic cardiomyopathy 9. Also called: Familial hypertrophic cardiomyopathy 9. Identifiers: MedGen C1861065, MONDO:0013412, OMIM 613765.
Autosomal recessive limb-girdle muscular dystrophy type 2J (LGMDR10). Also called: Limb-girdle muscular dystrophy, type 2J; MUSCULAR DYSTROPHY, LIMB-GIRDLE, AUTOSOMAL RECESSIVE 10. Identifiers: Orphanet 140922, MedGen C1837342, MONDO:0012127, OMIM 608807.
Myopathy, myofibrillar, 9, with early respiratory failure (MFM9). Also called: Hereditary myopathy with early respiratory failure; EDSTROM MYOPATHY; MYOPATHY, PROXIMAL, WITH EARLY RESPIRATORY MUSCLE INVOLVEMENT; Myopathy, distal, with early respiratory failure, autosomal dominant. Identifiers: Orphanet 178464, Orphanet 34521, MedGen C1863599, MONDO:0011362, OMIM 603689.
Dilated cardiomyopathy 1G (CMD1G). Identifiers: Orphanet 154, MedGen C1858763, MONDO:0011400, OMIM 604145.
Early-onset myopathy with fatal cardiomyopathy (CMYO5). Also called: Salih Myopathy; CONGENITAL MYOPATHY 5 WITH CARDIOMYOPATHY. Identifiers: Orphanet 289377, MedGen C2673677, MONDO:0012714, OMIM 611705. Disease mechanism: loss of function.
Tibial muscular dystrophy (TMD). Also called: UDD MYOPATHY; Tibial muscular dystrophy, tardive; Udd Distal Myopathy – Tibial Muscular Dystrophy. Identifiers: Orphanet 609, MedGen C1838244, MONDO:0010870, OMIM 600334.

Allele frequency attached by ClinVar (database versions not stated): ExAC 0.00001; gnomAD exomes 0.00001; TOPMed 0.00002; gnomAD 0.00006.
gnomAD v4.1: 33 of 1,613,938 alleles (0.002%); highest among the groups gnomAD compares: Non-Finnish European, 0.0026%; no homozygotes.

Submissions (7):

PreventionGenetics, part of Exact Sciences
Classification: Uncertain significance for TTN-related condition. Last evaluated: 2025-12-23. Review status: criteria provided, single submitter. Criteria: ACMG Guidelines, 2015. Collection method: clinical testing. Allele origin: germline.
Comment: The TTN c.6639G>T variant is predicted to result in the amino acid substitution p.Glu2213Asp. This variant has been reported as uncertain in an individual with cardiomyopathy (Online Supplementary File 2, van Lint et al. 2019. PubMed ID: 30847666). This variant is reported in 0.0040% of alleles in individuals of African descent in gnomAD and has conflicting interpretations regarding its pathogenicity in ClinVar, ranging from likely benign to uncertain (Variation ID: 809102). At this time, the clinical significance of this variant is uncertain due to the absence of conclusive functional and genetic evidence.

Molecular Diagnostic Laboratory for Inherited Cardiovascular Disease, Montreal Heart Institute
Classification: Likely benign. Last evaluated: 2025-04-09. Review status: criteria provided, single submitter. Criteria: ACMG Guidelines, 2015. Collection method: clinical testing. Allele origin: germline. Affected: no.

Blueprint Genetics
Classification: Uncertain significance. Last evaluated: 2023-08-28. Review status: criteria provided, single submitter. Criteria: ACMG Guidelines, 2015. Collection method: clinical testing. Allele origin: germline.

Fulgent Genetics
Classification: Uncertain significance for Tibial muscular dystrophy; Myopathy, myofibrillar, 9, with early respiratory failure; Dilated cardiomyopathy 1G; Autosomal recessive limb-girdle muscular dystrophy type 2J; Early-onset myopathy with fatal cardiomyopathy; Hypertrophic cardiomyopathy 9. Last evaluated: 2021-08-26. Review status: criteria provided, single submitter. Criteria: ACMG Guidelines, 2015. Collection method: clinical testing. Allele origin: unknown.

Revvity Omics, Revvity
Classification: Uncertain significance. Last evaluated: 2020-02-12. Review status: criteria provided, single submitter. Criteria: ACMG Guidelines, 2015. Collection method: clinical testing. Allele origin: germline.

Clinical Genetics DNA and cytogenetics Diagnostics Lab, Erasmus MC, Erasmus Medical Center
Classification: Uncertain significance. Review status: no assertion criteria provided. Collection method: clinical testing. Allele origin: germline. Affected: yes. Study: VKGL Data-share Consensus. Not counted in ClinVar's aggregate classification.

Clinical Genetics, Academic Medical Center
Classification: Uncertain significance. Review status: no assertion criteria provided. Collection method: clinical testing. Allele origin: germline. Affected: yes. Study: VKGL Data-share Consensus. Not counted in ClinVar's aggregate classification.